The following is an entry in ClinVar:

ClinVar aggregate classification (germline): Uncertain significance. Review status: criteria provided, multiple submitters, no conflicts (2 of 4 stars). 2 submissions from 2 submitters: Uncertain significance (2). Last evaluated 2025-08-03.

Conditions:
Emery-Dreifuss muscular dystrophy 5, autosomal dominant (EDMD5). Also called: EMERY-DREIFUSS MUSCULAR DYSTROPHY 5. Identifiers: Orphanet 261, MedGen C2751805, MONDO:0013072, OMIM 612999.

Allele frequency attached by ClinVar (database versions not stated): gnomAD exomes 0.00001 and 0.00005; ExAC 0.00005; gnomAD 0.00009 and 0.00012; TOPMed 0.00012; ESP Exome Variant Server 0.00015.
gnomAD v4.1: 31 of 1,613,836 alleles (0.0019%); highest among the groups gnomAD compares: African/African-American, 0.02%; no homozygotes.

Submissions (2):

Ambry Genetics
Classification: Uncertain significance. Last evaluated: 2025-08-03. Review status: criteria provided, single submitter. Criteria: Ambry Variant Classification Scheme 2023. Collection method: clinical testing. Allele origin: germline.

Labcorp Genetics (formerly Invitae), Labcorp
Classification: Uncertain significance for Emery-Dreifuss muscular dystrophy 5, autosomal dominant. Last evaluated: 2022-10-13. Review status: criteria provided, single submitter. Criteria: Invitae Variant Classification Sherloc (09022015). Collection method: clinical testing. Allele origin: germline.
Comment: This sequence change replaces proline, which is neutral and non-polar, with leucine, which is neutral and non-polar, at codon 5060 of the SYNE2 protein (p.Pro5060Leu). This variant is present in population databases (rs371146862, gnomAD 0.03%). This variant has not been reported in the literature in individuals affected with SYNE2-related conditions. ClinVar contains an entry for this variant (Variation ID: 1364038). Algorithms developed to predict the effect of missense changes on protein structure and function are either unavailable or do not agree on the potential impact of this missense change (SIFT: "Tolerated"; PolyPhen-2: "Probably Damaging"; Align-GVGD: "Class C0"). In summary, the available evidence is currently insufficient to determine the role of this variant in disease. Therefore, it has been classified as a Variant of Uncertain Significance.

NM_182914.3(SYNE2):c.15179C>T (p.Pro5060Leu)

Gene: SYNE2 (spectrin repeat containing nuclear envelope protein 2; plus strand). Cytogenetic location: 14q23.2.
Variant type: single nucleotide variant.
Coding change: c.15179C>T on transcript NM_182914.3 (MANE Select); coding-DNA position 15179, C replaced by T.
Protein change: p.Pro5060Leu; replaces proline 5060 with leucine.
Molecular consequence: missense variant.
Genome position (GRCh38, 1-based): chr14:64,141,961, C>T. VCF-style: chr14-64141961-C-T. GRCh37 (hg19) VCF-style: chr14-64608679-C-T.
Other names: c.15179C>T, p.Pro5060Leu (NM_015180.6); c.15179C>T (NM_182914.2); short protein forms P5060L.
Identifiers: ClinVar variation 1364038 (VCV001364038.7), dbSNP rs371146862, ClinGen allele CA7223011.